The following is an entry in ClinVar:

ClinVar aggregate classification (germline): Likely benign. Review status: criteria provided, multiple submitters, no conflicts (2 of 4 stars). 3 submissions from 3 submitters: Likely benign (3). Last evaluated 2025-08-25.

Conditions:
Pheochromocytoma. Also called: MAX-Related Hereditary Paraganglioma-Pheochromocytoma Syndrome. Identifiers: Orphanet 29072, MedGen C0031511, MONDO:0008233, OMIM 171300, HP:0002666.
Carney-Stratakis syndrome. Also called: PARAGANGLIOMA AND GASTROINTESTINAL STROMAL TUMOR. Identifiers: Orphanet 97286, MedGen C1847319, MONDO:0011740, OMIM 606864.
Cowden syndrome 3 (CWS3). Identifiers: Orphanet 201, MedGen CN166604, MONDO:0014045.
Paragangliomas with sensorineural hearing loss. Identifiers: MedGen C1868633.
Hereditary cancer-predisposing syndrome. Also called: Neoplastic Syndromes, Hereditary; Tumor predisposition; Hereditary Cancer Syndrome; Hereditary neoplastic syndrome. Identifiers: Orphanet 140162, MedGen C0027672, MeSH D009386, MONDO:0015356.
Hereditary pheochromocytoma and paraganglioma. Also called: Hereditary Paraganglioma-Pheochromocytoma Syndromes; Hereditary pheochromocytoma-paraganglioma; Hereditary paragangliomas and pheochromocytomas. Identifiers: Orphanet 29072, MedGen C4274332, MONDO:0017366.

Submissions (3):

Ambry Genetics
Classification: Likely benign for Hereditary cancer-predisposing syndrome. Last evaluated: 2025-08-25. Review status: criteria provided, single submitter. Criteria: Ambry Variant Classification Scheme 2023. Collection method: clinical testing. Allele origin: germline.

Labcorp Genetics (formerly Invitae), Labcorp
Classification: Likely benign for Carney-Stratakis syndrome; Paragangliomas with sensorineural hearing loss; Pheochromocytoma; Cowden syndrome 3. Last evaluated: 2025-06-04. Review status: criteria provided, single submitter. Criteria: Invitae Variant Classification Sherloc (09022015). Collection method: clinical testing. Allele origin: germline.

All of Us Research Program, National Institutes of Health
Classification: Likely benign for Hereditary pheochromocytoma and paraganglioma. Last evaluated: 2024-05-30. Review status: criteria provided, single submitter. Criteria: ACMG Guidelines, 2015. Collection method: clinical testing. Allele origin: germline. Inheritance: Autosomal dominant inheritance. Observed: 1 variant allele, 1 heterozygote.
Comment: This study involves interpretation of variants in research participants for the purpose of population health screening. Participant phenotype was not available at the time of variant classification. Additional details can be found in publication PMID: 35346344, PMCID: PMC8962531

NM_003002.4(SDHD):c.123A>G (p.Pro41=)

Gene: SDHD (succinate dehydrogenase complex subunit D; plus strand). Cytogenetic location: 11q23.1.
Variant type: single nucleotide variant.
Coding change: c.123A>G on transcript NM_003002.4 (MANE Select); coding-DNA position 123, A replaced by G.
Protein change: p.Pro41=; no amino-acid change (proline 41 retained).
Molecular consequence: synonymous variant. On other transcripts: non-coding transcript variant (1), intron variant (1).
Genome position (GRCh38, 1-based): chr11:112,087,927, A>G. VCF-style: chr11-112087927-A-G. GRCh37 (hg19) VCF-style: chr11-111958651-A-G.
Other names: c.123A>G (NM_003002.2); c.123A>G, p.Pro41= (NM_001276503.2, NM_001276506.2); c.53-940A>G (NM_001276504.2).
Identifiers: ClinVar variation 3385999 (VCV003385999.4).